The following is an entry in ClinVar:

ClinVar aggregate classification (germline): Uncertain significance (1 of 4 stars; one submission).

Conditions:
Cardiovascular phenotype. Identifiers: MedGen CN230736.

Submission:

Ambry Genetics
Classification: Uncertain significance for Cardiovascular phenotype. Last evaluated: 2026-09-03. Review status: criteria provided, single submitter. Criteria: Ambry Variant Classification Scheme 2023. Collection method: clinical testing. Allele origin: germline.
Comment: The p.E144D variant (also known as c.432A>T), located in coding exon 5 of the SPRED1 gene, results from an A to T substitution at nucleotide position 432. The glutamic acid at codon 144 is replaced by aspartic acid, an amino acid with highly similar properties. This amino acid position is conserved. In addition, this alteration is predicted to be tolerated by in silico analysis. Based on the available evidence, the clinical significance of this variant remains unclear.

NM_152594.3(SPRED1):c.432A>T (p.Glu144Asp)

Gene: SPRED1 (sprouty related EVH1 domain containing 1; plus strand). Cytogenetic location: 15q14.
Variant type: single nucleotide variant.
Coding change: c.432A>T on transcript NM_152594.3 (MANE Select); coding-DNA position 432, A replaced by T.
Protein change: p.Glu144Asp; replaces glutamic acid 144 with aspartic acid.
Molecular consequence: missense variant.
Genome position (GRCh38, 1-based): chr15:38,339,745, A>T. VCF-style: chr15-38339745-A-T. GRCh37 (hg19) VCF-style: chr15-38631946-A-T.
Other names: short protein forms E144D.
Identifiers: ClinVar variation 5030139 (VCV005030139.1).